The following is an entry in ClinVar:

ClinVar aggregate classification (germline): Pathogenic (1 of 4 stars; one submission).

Submission:

Labcorp Genetics (formerly Invitae), Labcorp
Classification: Pathogenic. Last evaluated: 2024-02-02. Review status: criteria provided, single submitter. Criteria: Invitae Variant Classification Sherloc (09022015). Collection method: clinical testing. Allele origin: germline.
Comment: This sequence change creates a premature translational stop signal (p.Tyr119*) in the NTHL1 gene. It is expected to result in an absent or disrupted protein product. Loss-of-function variants in NTHL1 are known to be pathogenic (PMID: 25938944, 26559593). This variant is not present in population databases (gnomAD no frequency). This variant has not been reported in the literature in individuals affected with NTHL1-related conditions. For these reasons, this variant has been classified as Pathogenic.

Literature cited by the submitters: PubMed 25938944; PubMed 26559593.

NM_002528.7(NTHL1):c.332_333del (p.Cys110_Tyr111insTer)

Gene: NTHL1 (nth like DNA glycosylase 1; minus strand). Cytogenetic location: 16p13.3.
Variant type: Deletion.
Coding change: c.332_333del on transcript NM_002528.7 (MANE Select); coding-DNA positions 332 to 333, 2 bases deleted (AT; older notation c.332_333delAT).
Protein change: p.Cys110_Tyr111insTer.
Molecular consequence: nonsense. On other transcripts: intron variant (1).
Genome position (GRCh38, 1-based): chr16:2,046,149-2,046,150, AT deleted on the plus strand (AT on the coding strand, the reverse complement: NTHL1 is on the minus strand); deleting any 2 consecutive bases within chr16:2,046,149-2,046,151 gives the same sequence; the c. name uses the placement nearest the transcript's 3' end. VCF-style (leftmost placement, unchanged base first): chr16-2046148-CAT-C. GRCh37 (hg19) VCF-style: chr16-2096149-CAT-C.
Other names: c.332_333del, p.Cys110_Tyr111insTer (NM_001318193.2); c.24+130_24+131del (NM_001318194.2).
Identifiers: ClinVar variation 2704944 (VCV002704944.3), dbSNP rs2548319297, ClinGen allele CA2697549525.